The following is an entry in ClinVar:

NM_001447.3(FAT2):c.8000G>C (p.Gly2667Ala)

Genes: FAT2 (FAT atypical cadherin 2; minus strand), SLC36A1 (solute carrier family 36 member 1; plus strand). Cytogenetic location: 5q33.1.
Variant type: single nucleotide variant.
Coding change: c.8000G>C on transcript NM_001447.3 (MANE Select); coding-DNA position 8000, G replaced by C.
Protein change: p.Gly2667Ala; replaces glycine 2667 with alanine.
Molecular consequence: missense variant.
Genome position (GRCh38, 1-based): chr5:151,543,127, C>G on the plus strand (G>C on the coding strand, the complement: FAT2 is on the minus strand). VCF-style: chr5-151543127-C-G. GRCh37 (hg19) VCF-style: chr5-150922688-C-G.
Other names: short protein forms G2667A.
Identifiers: ClinVar variation 2414066 (VCV002414066.33), dbSNP rs199617774, ClinGen allele CA3520875.

ClinVar aggregate classification (germline): Conflicting classifications of pathogenicity. Review status: criteria provided, conflicting classifications (1 of 4 stars). 2 submissions from 2 submitters: Uncertain significance (1); Likely benign (1). Last evaluated 2025-11-01.

Allele frequency attached by ClinVar (database versions not stated): ExAC 0.00002; TOPMed 0.00003; gnomAD 0.00006; gnomAD exomes 0.00019.
gnomAD v4.1: 285 of 1,614,054 alleles (0.018%); highest among the groups gnomAD compares: Non-Finnish European, 0.023%; no homozygotes.

Submissions (2):

CeGaT Center for Human Genetics Tuebingen
Classification: Likely benign. Last evaluated: 2025-11-01. Review status: criteria provided, single submitter. Criteria: CeGaT Center For Human Genetics Tuebingen Variant Classification Criteria Version 2. Collection method: clinical testing. Allele origin: germline. Affected: yes. Observed: 1 variant allele.
Comment: FAT2: BP4

Labcorp Genetics (formerly Invitae), Labcorp
Classification: Uncertain significance. Last evaluated: 2023-07-10. Review status: criteria provided, single submitter. Criteria: Invitae Variant Classification Sherloc (09022015). Collection method: clinical testing. Allele origin: germline.
Comment: ClinVar contains an entry for this variant (Variation ID: 2414066). This sequence change replaces glycine, which is neutral and non-polar, with alanine, which is neutral and non-polar, at codon 2667 of the FAT2 protein (p.Gly2667Ala). This variant is present in population databases (rs199617774, gnomAD 0.01%). This variant has not been reported in the literature in individuals affected with FAT2-related conditions. Advanced modeling of protein sequence and biophysical properties (such as structural, functional, and spatial information, amino acid conservation, physicochemical variation, residue mobility, and thermodynamic stability) performed at Invitae indicates that this missense variant is expected to disrupt FAT2 protein function. In summary, the available evidence is currently insufficient to determine the role of this variant in disease. Therefore, it has been classified as a Variant of Uncertain Significance.